The following is an entry in ClinVar:

ClinVar aggregate classification (germline): Uncertain significance (1 of 4 stars; one submission).

Conditions:
Bethlem myopathy 1A. Also called: MYOPATHY, BENIGN CONGENITAL, WITH CONTRACTURES; Bethlem myopathy 1; Bethlem Muscular Dystrophy. Identifiers: Orphanet 610, MedGen CN029274, MONDO:0024530, OMIM 158810.

gnomAD v4.1: 1 of 1,613,484 alleles (0.000062%); highest among the groups gnomAD compares: Admixed American, 0.0017%; no homozygotes.

Submission:

Labcorp Genetics (formerly Invitae), Labcorp
Classification: Uncertain significance for Bethlem myopathy 1A. Last evaluated: 2024-03-05. Review status: criteria provided, single submitter. Criteria: Invitae Variant Classification Sherloc (09022015). Collection method: clinical testing. Allele origin: germline.
Comment: This sequence change replaces aspartic acid, which is acidic and polar, with glycine, which is neutral and non-polar, at codon 1639 of the COL6A3 protein (p.Asp1639Gly). This variant is not present in population databases (gnomAD no frequency). This variant has not been reported in the literature in individuals affected with COL6A3-related conditions. Advanced modeling of protein sequence and biophysical properties (such as structural, functional, and spatial information, amino acid conservation, physicochemical variation, residue mobility, and thermodynamic stability) performed at Invitae indicates that this missense variant is expected to disrupt COL6A3 protein function with a positive predictive value of 80%. In summary, the available evidence is currently insufficient to determine the role of this variant in disease. Therefore, it has been classified as a Variant of Uncertain Significance.

NM_004369.4(COL6A3):c.4916A>G (p.Asp1639Gly)

Gene: COL6A3 (collagen type VI alpha 3 chain; minus strand). Cytogenetic location: 2q37.3.
Variant type: single nucleotide variant.
Coding change: c.4916A>G on transcript NM_004369.4 (MANE Select); coding-DNA position 4916, A replaced by G.
Protein change: p.Asp1639Gly; replaces aspartic acid 1639 with glycine.
Molecular consequence: missense variant.
Genome position (GRCh38, 1-based): chr2:237,367,271, T>C on the plus strand (A>G on the coding strand, the complement: COL6A3 is on the minus strand). VCF-style: chr2-237367271-T-C. GRCh37 (hg19) VCF-style: chr2-238275914-T-C.
Other names: c.3095A>G, p.Asp1032Gly (NM_057166.5); c.4298A>G, p.Asp1433Gly (NM_057167.4); short protein forms D1032G, D1433G, D1639G.
Identifiers: ClinVar variation 3713034 (VCV003713034.2).